The following is an entry in ClinVar:

NM_001148.6(ANK2):c.10367dup (p.Thr3457fs)

Gene: ANK2 (ankyrin 2; plus strand). Cytogenetic location: 4q26.
Variant type: Duplication.
Coding change: c.10367dup on transcript NM_001148.6 (MANE Select); coding-DNA position 10367, one base duplicated (G; older notation c.10367dupG).
Protein change: p.Thr3457fs; shifts the reading frame from threonine 3457.
Molecular consequence: frameshift variant. On other transcripts: intron variant (68).
Genome position (GRCh38, 1-based): chr4:113,358,985, G duplicated; the last of 7 consecutive G bases (chr4:113,358,979-113,358,985); duplicating any one gives the same sequence. VCF-style (leftmost placement, unchanged base first): chr4-113358978-A-AG. GRCh37 (hg19) VCF-style: chr4-114280134-A-AG.
Other names: c.10133dup, p.Thr3379fs (NM_001386142.1); c.6767dup, p.Thr2257fs (NM_001386166.1); c.10508dup, p.Thr3504fs (NM_001386174.1); c.10484dup, p.Thr3496fs (NM_001386175.1); c.4412-1838dup (NM_001386186.2, NM_001386148.2); c.4214-1838dup (NM_001354269.3); c.4292-1838dup (NM_001386187.2); c.4253-1838dup (NM_001386147.1); and 37 more; short protein forms T2257fs, T3379fs, T3457fs, T3496fs, T3504fs.
Identifiers: ClinVar variation 1208780 (VCV001208780.5), dbSNP rs750143580, ClinGen allele CA3052058.
Genomic context (GRCh38, chr4:113,358,978, plus strand): 5'-AGACCAAAGATACTTACATCCCGATTGCCAGTTAAGAGCAGAAGCACTACATCTTCCTGC[A>AG]GGGGGGGCACGAGCCCCACAAAAGAAAGTAAGGAGCATTTCTTTGACCTTTACAGAAATT-3'

ClinVar aggregate classification (germline): Pathogenic (1 of 4 stars; one submission).

Submission:

GeneDx
Classification: Pathogenic. Last evaluated: 2025-04-28. Review status: criteria provided, single submitter. Criteria: GeneDx Variant Classification Process June 2021. Collection method: clinical testing. Allele origin: germline. Affected: yes.
Comment: Observed in a patient diagnosed with schizophrenia however additional clinical details nor segregation information was specified in this report. (PMID: 31448785); Frameshift variant predicted to result in protein truncation or nonsense mediated decay in a gene for which loss of function is a known mechanism of disease; Not observed at significant frequency in large population cohorts (gnomAD); This variant is associated with the following publications: (PMID: 31448785)